The following is an entry in ClinVar:

NM_000136.3(FANCC):c.1580A>G (p.Asp527Gly)

Genes: AOPEP (aminopeptidase O (putative); plus strand), FANCC (FA complementation group C; minus strand). Cytogenetic location: 9q22.32.
Variant type: single nucleotide variant.
Coding change: c.1580A>G on transcript NM_000136.3 (MANE Select); coding-DNA position 1580, A replaced by G.
Protein change: p.Asp527Gly; replaces aspartic acid 527 with glycine.
Molecular consequence: missense variant.
Genome position (GRCh38, 1-based): chr9:95,101,804, T>C on the plus strand (A>G on the coding strand, the complement: FANCC is on the minus strand). VCF-style: chr9-95101804-T-C. GRCh37 (hg19) VCF-style: chr9-97864086-T-C.
Other names: c.1580A>G, p.Asp527Gly (NM_001243743.2); short protein forms D527G.
Identifiers: ClinVar variation 4641072 (VCV004641072.1).

ClinVar aggregate classification (germline): Uncertain significance (1 of 4 stars; one submission).

Conditions:
Hereditary cancer-predisposing syndrome. Also called: Neoplastic Syndromes, Hereditary; Tumor predisposition; Hereditary Cancer Syndrome; Hereditary neoplastic syndrome. Identifiers: Orphanet 140162, MedGen C0027672, MeSH D009386, MONDO:0015356.

Submission:

Ambry Genetics
Classification: Uncertain significance for Hereditary cancer-predisposing syndrome. Last evaluated: 2025-10-11. Review status: criteria provided, single submitter. Criteria: Ambry Variant Classification Scheme 2023. Collection method: clinical testing. Allele origin: germline.
Comment: The p.D527G variant (also known as c.1580A>G), located in coding exon 14 of the FANCC gene, results from an A to G substitution at nucleotide position 1580. The aspartic acid at codon 527 is replaced by glycine, an amino acid with similar properties. This amino acid position is conserved. In addition, this alteration is predicted to be tolerated by in silico analysis. Based on the available evidence, the clinical significance of this variant remains unclear.